The following is an entry in ClinVar:

ClinVar aggregate classification (germline): Uncertain significance (1 of 4 stars; one submission).

Submission:

CeGaT Center for Human Genetics Tuebingen
Classification: Uncertain significance. Last evaluated: 2026-04-01. Review status: criteria provided, single submitter. Criteria: CeGaT Center For Human Genetics Tuebingen Variant Classification Criteria Version 2. Collection method: clinical testing. Allele origin: germline. Affected: yes. Observed: 1 variant allele.
Comment: KCNH2: PM2, PP2, PP3

NM_000238.4(KCNH2):c.1128+1818A>T

Gene: KCNH2 (potassium voltage-gated channel subfamily H member 2; minus strand). Cytogenetic location: 7q36.1.
Variant type: single nucleotide variant.
Coding change: c.1128+1818A>T on transcript NM_000238.4 (MANE Select); 1818 bases into the intron after coding-DNA position 1128, A replaced by T.
Molecular consequence: intron variant. On other transcripts: missense variant (2), non-coding transcript variant (1).
Genome position (GRCh38, 1-based): chr7:150,955,473, T>A on the plus strand (A>T on the coding strand, the complement: KCNH2 is on the minus strand). VCF-style: chr7-150955473-T-A. GRCh37 (hg19) VCF-style: chr7-150652561-T-A.
Other names: c.31A>T, p.Thr11Ser (NM_001204798.2, NM_172057.3); c.840+1818A>T (NM_001406753.1, NM_001406756.1); c.1128+1818A>T (NM_172056.3); c.951+1818A>T (NM_001406755.1); c.828+1818A>T (NM_001406757.1); short protein forms T11S.
Identifiers: ClinVar variation 4874198 (VCV004874198.2).
Genomic context (GRCh38, chr7:150,955,473, plus strand): 5'-TGGAGATGCGCACGGCCCGCCTCACCCGGCCTTTCTGGGCCCTGGGCCGCAGAGCCCCTG[T>A]CCTGCTCGCCTTCCCGGCTGGGGCCGCCATGGAGGACTTGGCTCCCTGCAGCCTGCCTGC-3'